The following is an entry in ClinVar:

ClinVar aggregate classification (germline): Uncertain significance (1 of 4 stars; one submission).

Conditions:
RYR1-related disorder. Also called: RYR1-related condition; RYR1-related disorders. Identifiers: MedGen CN239331.

Submission:

Labcorp Genetics (formerly Invitae), Labcorp
Classification: Uncertain significance for RYR1-related disorder. Last evaluated: 2024-12-24. Review status: criteria provided, single submitter. Criteria: Invitae Variant Classification Sherloc (09022015). Collection method: clinical testing. Allele origin: germline.
Comment: This sequence change replaces alanine, which is neutral and non-polar, with glycine, which is neutral and non-polar, at codon 4419 of the RYR1 protein (p.Ala4419Gly). This variant is not present in population databases (gnomAD no frequency). This variant has not been reported in the literature in individuals affected with RYR1-related conditions. Invitae Evidence Modeling of protein sequence and biophysical properties (such as structural, functional, and spatial information, amino acid conservation, physicochemical variation, residue mobility, and thermodynamic stability) indicates that this missense variant is not expected to disrupt RYR1 protein function with a negative predictive value of 80%. In summary, the available evidence is currently insufficient to determine the role of this variant in disease. Therefore, it has been classified as a Variant of Uncertain Significance.

NM_000540.3(RYR1):c.13256C>G (p.Ala4419Gly)

Gene: RYR1 (ryanodine receptor 1; plus strand). Cytogenetic location: 19q13.2.
Variant type: single nucleotide variant.
Coding change: c.13256C>G on transcript NM_000540.3 (MANE Select); coding-DNA position 13256, C replaced by G.
Protein change: p.Ala4419Gly; replaces alanine 4419 with glycine.
Molecular consequence: missense variant.
Genome position (GRCh38, 1-based): chr19:38,565,590, C>G. VCF-style: chr19-38565590-C-G. GRCh37 (hg19) VCF-style: chr19-39056230-C-G.
Other names: c.13241C>G, p.Ala4414Gly (NM_001042723.2); short protein forms A4414G, A4419G.
Identifiers: ClinVar variation 3628491 (VCV003628491.2).